The following is an entry in ClinVar:

ClinVar aggregate classification (germline): Conflicting classifications of pathogenicity. Review status: criteria provided, conflicting classifications (1 of 4 stars). 2 submissions from 2 submitters: Likely pathogenic (1); Uncertain significance (1). Last evaluated 2021-08-20.

Allele frequency attached by ClinVar (database versions not stated): gnomAD 0.00001; gnomAD exomes 0.00001 and 0.00003; TOPMed 0.00001; ExAC 0.00002.

Submissions (2):

Blueprint Genetics
Classification: Uncertain significance. Last evaluated: 2021-08-20. Review status: criteria provided, single submitter. Criteria: ACMG Guidelines, 2015. Collection method: clinical testing. Allele origin: germline.

Mayo Clinic Laboratories, Mayo Clinic
Classification: Likely pathogenic. Last evaluated: 2019-12-30. Review status: criteria provided, single submitter. Criteria: ACMG Guidelines, 2015. Collection method: clinical testing. Allele origin: germline. Observed: 1 variant allele.
Comment: PVS1, PM2

Literature cited by the submitters: PubMed 18070103 (cited by Mayo Clinic Laboratories, Mayo Clinic).

NM_053013.4(ENO3):c.157del (p.Asp53fs)

Gene: ENO3 (enolase 3; plus strand). Cytogenetic location: 17p13.2.
Variant type: Deletion.
Coding change: c.157del on transcript NM_053013.4 (MANE Select); coding-DNA position 157, one base deleted (G; older notation c.157delG).
Protein change: p.Asp53fs; shifts the reading frame from aspartic acid 53.
Molecular consequence: frameshift variant.
Genome position (GRCh38, 1-based): chr17:4,952,866, G deleted. VCF-style (leftmost placement, unchanged base first): chr17-4952865-AG-A. GRCh37 (hg19) VCF-style: chr17-4856160-AG-A.
Other names: c.157del, p.Asp53fs (NM_001193503.2, NM_001374523.1, NM_001976.5); c.184del, p.Asp62fs (NM_001374524.1); short protein forms D53fs, D62fs.
Identifiers: ClinVar variation 1163998 (VCV001163998.6), dbSNP rs760194274, ClinGen allele CA8316156.